The following is an entry in ClinVar:

ClinVar aggregate classification (germline): Uncertain significance. Review status: criteria provided, multiple submitters, no conflicts (2 of 4 stars). 2 submissions from 2 submitters: Uncertain significance (2). Last evaluated 2025-03-15.

Submissions (2):

Ambry Genetics
Classification: Uncertain significance. Last evaluated: 2025-03-15. Review status: criteria provided, single submitter. Criteria: Ambry Variant Classification Scheme 2023. Collection method: clinical testing. Allele origin: germline.

Labcorp Genetics (formerly Invitae), Labcorp
Classification: Uncertain significance. Last evaluated: 2024-04-04. Review status: criteria provided, single submitter. Criteria: Invitae Variant Classification Sherloc (09022015). Collection method: clinical testing. Allele origin: germline.
Comment: This sequence change replaces isoleucine, which is neutral and non-polar, with valine, which is neutral and non-polar, at codon 94 of the POLE2 protein (p.Ile94Val). This variant is not present in population databases (gnomAD no frequency). This variant has not been reported in the literature in individuals affected with POLE2-related conditions. Algorithms developed to predict the effect of missense changes on protein structure and function output the following: SIFT: "Not Available"; PolyPhen-2: "Benign"; Align-GVGD: "Not Available". The valine amino acid residue is found in multiple mammalian species, which suggests that this missense change does not adversely affect protein function. In summary, the available evidence is currently insufficient to determine the role of this variant in disease. Therefore, it has been classified as a Variant of Uncertain Significance.

NM_002692.4(POLE2):c.280A>G (p.Ile94Val)

Gene: POLE2 (DNA polymerase epsilon 2, accessory subunit; minus strand). Cytogenetic location: 14q21.3.
Variant type: single nucleotide variant.
Coding change: c.280A>G on transcript NM_002692.4 (MANE Select); coding-DNA position 280, A replaced by G.
Protein change: p.Ile94Val; replaces isoleucine 94 with valine.
Molecular consequence: missense variant. On other transcripts: intron variant (1).
Genome position (GRCh38, 1-based): chr14:49,674,393, T>C on the plus strand (A>G on the coding strand, the complement: POLE2 is on the minus strand). VCF-style: chr14-49674393-T-C. GRCh37 (hg19) VCF-style: chr14-50141111-T-C.
Other names: c.280A>G (NM_002692.3); c.280A>G, p.Ile94Val (NM_001197331.3, NM_001348384.2); c.49A>G, p.Ile17Val (NM_001348385.2); c.246-177A>G (NM_001197330.2); short protein forms I17V, I94V.
Identifiers: ClinVar variation 3696368 (VCV003696368.3).